The following is an entry in ClinVar:

NM_001379270.1(CNGA1):c.378GAA[1] (p.Lys129del)

Genes: CNGA1 (cyclic nucleotide gated channel subunit alpha 1; minus strand), LOC101927157 (uncharacterized LOC101927157; plus strand). Cytogenetic location: 4p12.
Variant type: Microsatellite.
Coding change: c.378GAA[1] on transcript NM_001379270.1 (MANE Select); one copy of the 3-base unit GAA starting at c.378; the reference has two copies in a row; one copy, 3 bases deleted.
Protein change: p.Lys129del; deletes lysine 129.
Molecular consequence: inframe deletion.
Genome position (GRCh38, 1-based): chr4:47,943,235-47,943,237, TTC deleted on the plus strand (GAA on the coding strand, the reverse complement: CNGA1 is on the minus strand); deleting any 3 consecutive bases within chr4:47,943,235-47,943,242 gives the same sequence; the position shown is the placement nearest the transcript's 3' end. VCF-style (leftmost placement, unchanged base first): chr4-47943234-TTTC-T. GRCh37 (hg19) VCF-style: chr4-47945251-TTTC-T.
Other names: c.378GAA[1], p.Lys129del (NM_000087.5, NM_001142564.2); short protein forms K129del.
Identifiers: ClinVar variation 1358970 (VCV001358970.8), dbSNP rs2110141920, ClinGen allele CA2578081643.

ClinVar aggregate classification (germline): Uncertain significance (1 of 4 stars; one submission).

Submission:

Labcorp Genetics (formerly Invitae), Labcorp
Classification: Uncertain significance. Last evaluated: 2022-02-23. Review status: criteria provided, single submitter. Criteria: Invitae Variant Classification Sherloc (09022015). Collection method: clinical testing. Allele origin: germline.
Comment: In summary, the available evidence is currently insufficient to determine the role of this variant in disease. Therefore, it has been classified as a Variant of Uncertain Significance. Experimental studies and prediction algorithms are not available or were not evaluated, and the functional significance of this variant is currently unknown. This variant has not been reported in the literature in individuals affected with CNGA1-related conditions. This variant is not present in population databases (gnomAD no frequency). This variant, c.393_395del, results in the deletion of 1 amino acid(s) of the CNGA1 protein (p.Lys133del), but otherwise preserves the integrity of the reading frame.